The following is an entry in ClinVar:

NM_001372106.1(DNAH10):c.12617T>C (p.Met4206Thr)

Genes: DNAH10 (dynein axonemal heavy chain 10; plus strand), DNAH10OS (dynein axonemal heavy chain 10 opposite strand; minus strand). Cytogenetic location: 12q24.31.
Variant type: single nucleotide variant.
Coding change: c.12617T>C on transcript NM_001372106.1 (MANE Select); coding-DNA position 12617, T replaced by C.
Protein change: p.Met4206Thr; replaces methionine 4206 with threonine.
Molecular consequence: missense variant.
Genome position (GRCh38, 1-based): chr12:123,930,406, T>C. VCF-style: chr12-123930406-T-C. GRCh37 (hg19) VCF-style: chr12-124414953-T-C.
Other names: c.12263T>C, p.Met4088Thr (NM_207437.3); short protein forms M4088T, M4206T.
Identifiers: ClinVar variation 4976503 (VCV004976503.1).

ClinVar aggregate classification (germline): Uncertain significance (1 of 4 stars; one submission).

gnomAD v4.1: 131 of 1,572,668 alleles (0.0083%); highest among the groups gnomAD compares: Non-Finnish European, 0.011%; no homozygotes.

Submission:

GeneDx
Classification: Uncertain significance. Last evaluated: 2026-02-20. Review status: criteria provided, single submitter. Criteria: GeneDx Variant Classification Process June 2021. Collection method: clinical testing. Allele origin: germline.
Comment: In silico analysis supports that this missense variant has a deleterious effect on protein structure/function; Has not been previously published as pathogenic or benign to our knowledge